The following is an entry in ClinVar:

NM_144687.4(NLRP12):c.70G>C (p.Glu24Gln)

Gene: NLRP12 (NLR family pyrin domain containing 12; minus strand). Cytogenetic location: 19q13.42.
Variant type: single nucleotide variant.
Coding change: c.70G>C on transcript NM_144687.4 (MANE Select); coding-DNA position 70, G replaced by C.
Protein change: p.Glu24Gln; replaces glutamic acid 24 with glutamine.
Molecular consequence: missense variant.
Genome position (GRCh38, 1-based): chr19:53,824,105, C>G on the plus strand (G>C on the coding strand, the complement: NLRP12 is on the minus strand). VCF-style: chr19-53824105-C-G. GRCh37 (hg19) VCF-style: chr19-54327359-C-G.
Other names: c.70G>C, p.Glu24Gln (NM_001277126.2, NM_001277129.1); short protein forms E24Q.
Identifiers: ClinVar variation 4691558 (VCV004691558.1).

ClinVar aggregate classification (germline): Uncertain significance (1 of 4 stars; one submission).

Conditions:
Familial cold autoinflammatory syndrome 2 (FCAS2). Identifiers: Orphanet 247868, MedGen C2673198, MONDO:0012724, OMIM 611762.

gnomAD v4.1: 9 of 1,614,144 alleles (0.00056%); highest among the groups gnomAD compares: Non-Finnish European, 0.00068%; no homozygotes.

Submission:

Labcorp Genetics (formerly Invitae), Labcorp
Classification: Uncertain significance for Familial cold autoinflammatory syndrome 2. Last evaluated: 2025-12-24. Review status: criteria provided, single submitter. Criteria: Invitae Variant Classification Sherloc (09022015). Collection method: clinical testing. Allele origin: germline.
Comment: This sequence change replaces glutamic acid, which is acidic and polar, with glutamine, which is neutral and polar, at codon 24 of the NLRP12 protein (p.Glu24Gln). This variant is not present in population databases (gnomAD no frequency). This variant has not been reported in the literature in individuals affected with NLRP12-related conditions. Invitae Evidence Modeling of protein sequence and biophysical properties (such as structural, functional, and spatial information, amino acid conservation, physicochemical variation, residue mobility, and thermodynamic stability) indicates that this missense variant is not expected to disrupt NLRP12 protein function with a negative predictive value of 80%. In summary, the available evidence is currently insufficient to determine the role of this variant in disease. Therefore, it has been classified as a Variant of Uncertain Significance.